The following is an entry in ClinVar:

ClinVar aggregate classification (germline): Likely benign (1 of 4 stars; one submission).

Allele frequency attached by ClinVar (database versions not stated): gnomAD exomes 0.00019; ExAC 0.00067; gnomAD 0.00179; TOPMed 0.00203; ESP Exome Variant Server 0.00209; 1000 Genomes Project 0.00260; 1000 Genomes Project 30x 0.00344.
gnomAD v4.1: 570 of 1,607,214 alleles (0.035%); highest among the groups gnomAD compares: African/African-American, 0.54%; 1 homozygote.

Submission:

CeGaT Center for Human Genetics Tuebingen
Classification: Likely benign. Last evaluated: 2022-05-01. Review status: criteria provided, single submitter. Criteria: CeGaT Center For Human Genetics Tuebingen Variant Classification Criteria Version 2. Collection method: clinical testing. Allele origin: germline. Affected: yes. Observed: 1 variant allele.
Comment: PPFIA4: BP4

NM_001304331.2(PPFIA4):c.3050+8C>T

Gene: PPFIA4 (PPFI scaffold protein A4; plus strand). Cytogenetic location: 1q32.1.
Variant type: single nucleotide variant.
Coding change: c.3050+8C>T on transcript NM_001304331.2 (MANE Select); 8 bases into the intron after coding-DNA position 3050, C replaced by T.
Molecular consequence: intron variant.
Genome position (GRCh38, 1-based): chr1:203,064,011, C>T. VCF-style: chr1-203064011-C-T. GRCh37 (hg19) VCF-style: chr1-203033139-C-T.
Other names: c.3050+8C>T (NM_001393952.1); c.3023+8C>T (NM_001304332.2, NM_001393950.1); c.2987+8C>T (NM_001393951.1); c.2915+8C>T (NM_001393953.1, NM_001393954.1); c.2852+8C>T (NM_001393955.1); c.2825+8C>T (NM_001393956.1); c.2783+8C>T (NM_001393957.1).
Identifiers: ClinVar variation 2639814 (VCV002639814.24), dbSNP rs145405819, ClinGen allele CA1337875.